The following is an entry in ClinVar:

NM_000124.4(ERCC6):c.964del (p.Ser322fs)

Gene: ERCC6 (ERCC excision repair 6, chromatin remodeling factor; minus strand). Cytogenetic location: 10q11.23.
Variant type: Deletion.
Coding change: c.964del on transcript NM_000124.4 (MANE Select); coding-DNA position 964, one base deleted (T; older notation c.964delT).
Protein change: p.Ser322fs; shifts the reading frame from serine 322.
Molecular consequence: frameshift variant.
Genome position (GRCh38, 1-based): chr10:49,524,466, A deleted on the plus strand (T on the coding strand, the reverse complement: ERCC6 is on the minus strand). VCF-style (leftmost placement, unchanged base first): chr10-49524465-GA-G. GRCh37 (hg19) VCF-style: chr10-50732511-GA-G.
Other names: c.964del, p.Ser322fs (NM_001277058.2, NM_001277059.2, NM_001346440.2); short protein forms S322fs.
Identifiers: ClinVar variation 5014780 (VCV005014780.1).

ClinVar aggregate classification (germline): Pathogenic (1 of 4 stars; one submission).

Conditions:
Cockayne spectrum with or without cerebrooculofacioskeletal syndrome. Identifiers: MedGen CN315928, MONDO:0100506.

Submission:

Myriad Genetics, Inc.
Classification: Pathogenic for Cockayne spectrum with or without cerebrooculofacioskeletal syndrome. Last evaluated: 2025-07-27. Review status: criteria provided, single submitter. Criteria: Myriad Autosomal Dominant, Autosomal Recessive and X-Linked Classification Criteria (2023). Collection method: clinical testing. Allele origin: unknown.
Comment: NM_000124.2(ERCC6):c.964delT(S322Pfs*7) is expected to be pathogenic in the context of ERCC6-related disorders. This variant is predicted to lead to an abnormal or absent protein product due to the creation of a premature termination codon in ERCC6, a gene where loss-of-function variants are known to be pathogenic. Please note: this variant was assessed in the context of healthy population screening.